The following is an entry in ClinVar:

ClinVar aggregate classification (germline): Conflicting classifications of pathogenicity. Review status: criteria provided, conflicting classifications (1 of 4 stars). 4 submissions from 4 submitters: Uncertain significance (1); Benign (2); Likely benign (1). Last evaluated 2025-05-13.

Conditions:
Ehlers-Danlos syndrome, classic type, 1 (EDSCL1). Also called: Ehlers-Danlos Syndrome, Classic Type, COL5A1-Related; EDS I; EHLERS-DANLOS SYNDROME, GRAVIS TYPE; EHLERS-DANLOS SYNDROME, SEVERE CLASSIC TYPE; Ehlers-Danlos syndrome, type 1. Identifiers: MedGen C0268335, MONDO:0019567, OMIM 130000.
Ehlers-Danlos syndrome, classic type, 2 (EDSCL2). Also called: Ehlers-Danlos Syndrome, Classic Type, COL5A2-Related; Ehlers-Danlos syndrome type 2 (formerly); Ehlers-Danlos syndrome, type 2. Identifiers: Orphanet 287, Orphanet 90318, MedGen C0268336, MONDO:0019568, OMIM 130010.

Allele frequency attached by ClinVar (database versions not stated): gnomAD exomes 0.00002 and 0.00025; gnomAD 0.00006; TOPMed 0.00013; ExAC 0.00022.
gnomAD v4.1: 46 of 1,613,916 alleles (0.0029%); highest among the groups gnomAD compares: East Asian, 0.098%; no homozygotes.

Submissions (4):

Labcorp Genetics (formerly Invitae), Labcorp
Classification: Benign for Ehlers-Danlos syndrome, classic type, 1. Last evaluated: 2025-05-13. Review status: criteria provided, single submitter. Criteria: Invitae Variant Classification Sherloc (09022015). Collection method: clinical testing. Allele origin: germline.

Blueprint Genetics
Classification: Likely benign. Last evaluated: 2024-08-01. Review status: criteria provided, single submitter. Criteria: ACMG Guidelines, 2015. Collection method: clinical testing. Allele origin: germline.

GeneDx
Classification: Uncertain significance. Last evaluated: 2022-03-07. Review status: criteria provided, single submitter. Criteria: GeneDx Variant Classification Process June 2021. Collection method: clinical testing. Allele origin: germline. Affected: yes.
Comment: Has not been previously published as pathogenic or benign to our knowledge; In silico analysis supports that this missense variant has a deleterious effect on protein structure/function; This variant is associated with the following publications: (PMID: 22696272)

Illumina Laboratory Services, Illumina
Classification: Benign for Ehlers-Danlos syndrome, classic type, 2. Last evaluated: 2018-01-13. Review status: criteria provided, single submitter. Criteria: ICSL Variant Classification Criteria 13 December 2019. Collection method: clinical testing. Allele origin: germline.
Comment: This variant was observed in the ICSL laboratory as part of a predisposition screen in an ostensibly healthy population. It had not been previously curated by ICSL or reported in the Human Gene Mutation Database (HGMD: prior to June 1st, 2018), and was therefore a candidate for classification through an automated scoring system. Utilizing variant allele frequency, disease prevalence and penetrance estimates, and inheritance mode, an automated score was calculated to assess if this variant is too frequent to cause the disease. Based on the score and internal cut-off values, a variant classified as benign is not then subjected to further curation. The score for this variant resulted in a classification of benign for this disease.

NM_000393.5(COL5A2):c.2852G>A (p.Gly951Glu)

Gene: COL5A2 (collagen type V alpha 2 chain; minus strand). Cytogenetic location: 2q32.2.
Variant type: single nucleotide variant.
Coding change: c.2852G>A on transcript NM_000393.5 (MANE Select); coding-DNA position 2852, G replaced by A.
Protein change: p.Gly951Glu; replaces glycine 951 with glutamic acid.
Molecular consequence: missense variant.
Genome position (GRCh38, 1-based): chr2:189,051,399, C>T on the plus strand (G>A on the coding strand, the complement: COL5A2 is on the minus strand). VCF-style: chr2-189051399-C-T. GRCh37 (hg19) VCF-style: chr2-189916125-C-T.
Other names: short protein forms G951E.
Identifiers: ClinVar variation 333139 (VCV000333139.15), dbSNP rs772448543, ClinGen allele CA2022168.